The following is an entry in ClinVar:

NM_005857.5(ZMPSTE24):c.1192C>T (p.Pro398Ser)

Gene: ZMPSTE24 (zinc metallopeptidase STE24; plus strand). Cytogenetic location: 1p34.2.
Variant type: single nucleotide variant.
Coding change: c.1192C>T on transcript NM_005857.5 (MANE Select); coding-DNA position 1192, C replaced by T.
Protein change: p.Pro398Ser; replaces proline 398 with serine.
Molecular consequence: missense variant.
Genome position (GRCh38, 1-based): chr1:40,290,986, C>T. VCF-style: chr1-40290986-C-T. GRCh37 (hg19) VCF-style: chr1-40756658-C-T.
Other names: short protein forms P398S.
Identifiers: ClinVar variation 2128053 (VCV002128053.4), dbSNP rs1643837824, ClinGen allele CA339872125.

ClinVar aggregate classification (germline): Uncertain significance (1 of 4 stars; one submission).

Submission:

Labcorp Genetics (formerly Invitae), Labcorp
Classification: Uncertain significance. Last evaluated: 2022-05-28. Review status: criteria provided, single submitter. Criteria: Invitae Variant Classification Sherloc (09022015). Collection method: clinical testing. Allele origin: germline.
Comment: This sequence change replaces proline, which is neutral and non-polar, with serine, which is neutral and polar, at codon 398 of the ZMPSTE24 protein (p.Pro398Ser). This variant is not present in population databases (gnomAD no frequency). This variant has not been reported in the literature in individuals affected with ZMPSTE24-related conditions. Algorithms developed to predict the effect of missense changes on protein structure and function are either unavailable or do not agree on the potential impact of this missense change (SIFT: "Not Available"; PolyPhen-2: "Probably Damaging"; Align-GVGD: "Not Available"). In summary, the available evidence is currently insufficient to determine the role of this variant in disease. Therefore, it has been classified as a Variant of Uncertain Significance.